The following is an entry in ClinVar:

ClinVar aggregate classification (germline): Likely benign (0 of 4 stars; one submission).

Conditions:
ANKFY1-related disorder. Also called: ANKFY1-related condition.

Allele frequency attached by ClinVar (database versions not stated): gnomAD 0.00003; TOPMed 0.00003; gnomAD exomes 0.00005; ExAC 0.00006; 1000 Genomes Project 30x 0.00016; 1000 Genomes Project 0.00020.
gnomAD v4.1: 79 of 1,613,748 alleles (0.0049%); highest among the groups gnomAD compares: South Asian, 0.035%; no homozygotes.

Submission:

PreventionGenetics, part of Exact Sciences
Classification: Likely benign for ANKFY1-related condition. Last evaluated: 2022-04-25. Review status: no assertion criteria provided. Collection method: clinical testing. Allele origin: germline.
Comment: This variant is classified as likely benign based on ACMG/AMP sequence variant interpretation guidelines (Richards et al. 2015 PMID: 25741868, with internal and published modifications).

NM_001330063.2(ANKFY1):c.1104-4G>A

Gene: ANKFY1 (ankyrin repeat and FYVE domain containing 1; minus strand). Cytogenetic location: 17p13.2.
Variant type: single nucleotide variant.
Coding change: c.1104-4G>A on transcript NM_001330063.2 (MANE Select); 4 bases into the intron before coding-DNA position 1104, G replaced by A.
Molecular consequence: intron variant.
Genome position (GRCh38, 1-based): chr17:4,195,475, C>T on the plus strand (G>A on the coding strand, the complement: ANKFY1 is on the minus strand). VCF-style: chr17-4195475-C-T. GRCh37 (hg19) VCF-style: chr17-4098770-C-T.
Other names: c.1104-4G>A (NM_016376.5); c.1230-4G>A (NM_001257999.3).
Identifiers: ClinVar variation 3040750 (VCV003040750.2), dbSNP rs575838701, ClinGen allele CA8301552.